The following is an entry in ClinVar:

NM_144997.7(FLCN):c.619-4del

Gene: FLCN (folliculin; minus strand). Cytogenetic location: 17p11.2.
Variant type: Deletion.
Coding change: c.619-4del on transcript NM_144997.7 (MANE Select); 4 bases into the intron before coding-DNA position 619, one base deleted (T; older notation c.619-4delT).
Molecular consequence: intron variant.
Genome position (GRCh38, 1-based): chr17:17,222,665, A deleted on the plus strand (T on the coding strand, the reverse complement: FLCN is on the minus strand); the first of 3 consecutive A bases (chr17:17,222,665-17,222,667); deleting any one gives the same sequence. VCF-style (leftmost placement, unchanged base first): chr17-17222664-GA-G. GRCh37 (hg19) VCF-style: chr17-17125978-GA-G.
Other names: c.619-4del (NM_001353230.2, NM_144606.7, NM_001353231.2); c.673-4del (NM_001353229.2).
Identifiers: ClinVar variation 1091412 (VCV001091412.10), dbSNP rs775559365, ClinGen allele CA8416348.

ClinVar aggregate classification (germline): Likely benign. Review status: criteria provided, multiple submitters, no conflicts (2 of 4 stars). 3 submissions from 3 submitters: Likely benign (3). Last evaluated 2025-09-24.

Conditions:
Birt-Hogg-Dube syndrome. Also called: Birt Hogg Dubé syndrome. Identifiers: Orphanet 122, MedGen C0346010, MONDO:0800444.
Birt-Hogg-Dube syndrome 1 (BHD1). Also called: FIBROFOLLICULOMAS WITH TRICHODISCOMAS AND ACROCHORDONS. Identifiers: Orphanet 122, MedGen CN375946, MONDO:0800445, OMIM 135150.
Hereditary cancer-predisposing syndrome. Also called: Tumor predisposition; Neoplastic Syndromes, Hereditary; Hereditary Cancer Syndrome; Hereditary neoplastic syndrome. Identifiers: Orphanet 140162, MedGen C0027672, MeSH D009386, MONDO:0015356.

Submissions (3):

Labcorp Genetics (formerly Invitae), Labcorp
Classification: Likely benign for Birt-Hogg-Dube syndrome. Last evaluated: 2025-09-24. Review status: criteria provided, single submitter. Criteria: Invitae Variant Classification Sherloc (09022015). Collection method: clinical testing. Allele origin: germline.

Myriad Genetics, Inc.
Classification: Likely benign for Birt-Hogg-Dube syndrome 1. Last evaluated: 2024-10-23. Review status: criteria provided, single submitter. Criteria: Myriad Autosomal Dominant, Autosomal Recessive and X-Linked Classification Criteria (2023). Collection method: clinical testing. Allele origin: unknown.
Comment: This variant is considered likely benign. This variant is intronic and is not expected to impact mRNA splicing.

Ambry Genetics
Classification: Likely benign for Hereditary cancer-predisposing syndrome. Last evaluated: 2022-06-14. Review status: criteria provided, single submitter. Criteria: Ambry Variant Classification Scheme 2023. Collection method: clinical testing. Allele origin: germline.